The following is an entry in ClinVar:

NM_001371623.1(TCOF1):c.4097A>G (p.Lys1366Arg)

Gene: TCOF1 (treacle ribosome biogenesis factor 1; plus strand). Cytogenetic location: 5q32.
Variant type: single nucleotide variant.
Coding change: c.4097A>G on transcript NM_001371623.1 (MANE Select); coding-DNA position 4097, A replaced by G.
Protein change: p.Lys1366Arg; replaces lysine 1366 with arginine.
Molecular consequence: missense variant.
Genome position (GRCh38, 1-based): chr5:150,396,594, A>G. VCF-style: chr5-150396594-A-G. GRCh37 (hg19) VCF-style: chr5-149776157-A-G.
Other names: c.3863A>G, p.Lys1288Arg (NM_000356.4, NM_001437406.1); c.4094A>G, p.Lys1365Arg (NM_001135243.2); c.3983A>G, p.Lys1328Arg (NM_001135244.2); c.3866A>G, p.Lys1289Arg (NM_001135245.2); c.3980A>G, p.Lys1327Arg (NM_001195141.2); short protein forms K1327R, K1288R, K1289R, K1366R, K1328R, K1365R.
Identifiers: ClinVar variation 4704123 (VCV004704123.1).

ClinVar aggregate classification (germline): Uncertain significance (1 of 4 stars; one submission).

Conditions:
Treacher Collins syndrome 1 (TCS1). Also called: TCOF1-Related Treacher Collins Syndrome. Identifiers: Orphanet 861, MedGen CN315775, MONDO:0007944, OMIM 154500.

Submission:

Labcorp Genetics (formerly Invitae), Labcorp
Classification: Uncertain significance for Treacher Collins syndrome 1. Last evaluated: 2025-04-23. Review status: criteria provided, single submitter. Criteria: Invitae Variant Classification Sherloc (09022015). Collection method: clinical testing. Allele origin: germline.
Comment: This sequence change replaces lysine, which is basic and polar, with arginine, which is basic and polar, at codon 1365 of the TCOF1 protein (p.Lys1365Arg). This variant is not present in population databases (gnomAD no frequency). This variant has not been reported in the literature in individuals affected with TCOF1-related conditions. An algorithm developed to predict the effect of missense changes on protein structure and function (PolyPhen-2) suggests that this variant is likely to be disruptive. In summary, the available evidence is currently insufficient to determine the role of this variant in disease. Therefore, it has been classified as a Variant of Uncertain Significance.